The following is an entry in ClinVar:

NM_001365088.1(SLC12A6):c.909C>A (p.His303Gln)

Gene: SLC12A6 (solute carrier family 12 member 6; minus strand). Cytogenetic location: 15q14.
Variant type: single nucleotide variant.
Coding change: c.909C>A on transcript NM_001365088.1 (MANE Select); coding-DNA position 909, C replaced by A.
Protein change: p.His303Gln; replaces histidine 303 with glutamine.
Molecular consequence: missense variant.
Genome position (GRCh38, 1-based): chr15:34,254,557, G>T on the plus strand (C>A on the coding strand, the complement: SLC12A6 is on the minus strand). VCF-style: chr15-34254557-G-T. GRCh37 (hg19) VCF-style: chr15-34546758-G-T.
Other names: c.756C>A, p.His252Gln (NM_005135.2); c.909C>A, p.His303Gln (NM_133647.2); c.732C>A, p.His244Gln (NM_001042494.2, NM_001042495.2); c.882C>A, p.His294Gln (NM_001042496.2); c.864C>A, p.His288Gln (NM_001042497.2); short protein forms H244Q, H294Q, H303Q, H252Q, H288Q.
Identifiers: ClinVar variation 3713834 (VCV003713834.2).

ClinVar aggregate classification (germline): Uncertain significance (1 of 4 stars; one submission).

Submission:

Labcorp Genetics (formerly Invitae), Labcorp
Classification: Uncertain significance. Last evaluated: 2024-11-04. Review status: criteria provided, single submitter. Criteria: Invitae Variant Classification Sherloc (09022015). Collection method: clinical testing. Allele origin: germline.
Comment: This sequence change replaces histidine, which is basic and polar, with glutamine, which is neutral and polar, at codon 303 of the SLC12A6 protein (p.His303Gln). This variant is not present in population databases (gnomAD no frequency). This variant has not been reported in the literature in individuals affected with SLC12A6-related conditions. Invitae Evidence Modeling of protein sequence and biophysical properties (such as structural, functional, and spatial information, amino acid conservation, physicochemical variation, residue mobility, and thermodynamic stability) indicates that this missense variant is not expected to disrupt SLC12A6 protein function with a negative predictive value of 80%. In summary, the available evidence is currently insufficient to determine the role of this variant in disease. Therefore, it has been classified as a Variant of Uncertain Significance.